The following is an entry in ClinVar:

NM_000237.3(LPL):c.984G>T (p.Met328Ile)

Gene: LPL (lipoprotein lipase; plus strand). Cytogenetic location: 8p21.3.
Variant type: single nucleotide variant.
Coding change: c.984G>T on transcript NM_000237.3 (MANE Select); coding-DNA position 984, G replaced by T.
Protein change: p.Met328Ile; replaces methionine 328 with isoleucine.
Molecular consequence: missense variant.
Genome position (GRCh38, 1-based): chr8:19,956,049, G>T. VCF-style: chr8-19956049-G-T. GRCh37 (hg19) VCF-style: chr8-19813560-G-T.
Other names: short protein forms M328I.
Identifiers: ClinVar variation 1685932 (VCV001685932.4), dbSNP rs2128838564, ClinGen allele CA370469395.

ClinVar aggregate classification (germline): Pathogenic/Likely pathogenic. Review status: criteria provided, multiple submitters, no conflicts (2 of 4 stars). 2 submissions from 2 submitters: Pathogenic (1); Likely pathogenic (1). Last evaluated 2023-04-17.

Conditions:
Hyperlipidemia, familial combined, LPL related (FCHL3). Also called: Hyperapobetalipoproteinemia. Identifiers: MedGen C0020474, MONDO:0007759, OMIM 144250, HP:0008158.

gnomAD v4.1: 1 of 1,614,174 alleles (0.000062%); highest among the groups gnomAD compares: Non-Finnish European, 0.000085%; no homozygotes.

Submissions (2):

Labcorp Genetics (formerly Invitae), Labcorp
Classification: Likely pathogenic. Last evaluated: 2023-04-17. Review status: criteria provided, single submitter. Criteria: Invitae Variant Classification Sherloc (09022015). Collection method: clinical testing. Allele origin: germline.
Comment: In summary, the currently available evidence indicates that the variant is pathogenic, but additional data are needed to prove that conclusively. Therefore, this variant has been classified as Likely Pathogenic. This variant disrupts the p.Met328 amino acid residue in LPL. Other variant(s) that disrupt this residue have been observed in individuals with LPL-related conditions (PMID: 15185149), which suggests that this may be a clinically significant amino acid residue. Advanced modeling of protein sequence and biophysical properties (such as structural, functional, and spatial information, amino acid conservation, physicochemical variation, residue mobility, and thermodynamic stability) performed at Invitae indicates that this missense variant is expected to disrupt LPL protein function. ClinVar contains an entry for this variant (Variation ID: 1685932). This variant is also known as p.M301I. This missense change has been observed in individual(s) with clinical features of chylomicronemia and/or lipoprotein lipase deficiency (PMID: 21159338, 24747307, 25966443). In at least one individual the data is consistent with being in trans (on the opposite chromosome) from a pathogenic variant. This variant is not present in population databases (gnomAD no frequency). This sequence change replaces methionine, which is neutral and non-polar, with isoleucine, which is neutral and non-polar, at codon 328 of the LPL protein (p.Met328Ile).

Mendelics
Classification: Pathogenic for Hyperlipidemia, familial combined, LPL related. Last evaluated: 2022-05-04. Review status: criteria provided, single submitter. Criteria: Mendelics Assertion Criteria 2019. Collection method: clinical testing. Allele origin: germline.

Literature cited by the submitters: PubMed 15185149 (cited by Labcorp Genetics (formerly Invitae), Labcorp); PubMed 21159338 (cited by Labcorp Genetics (formerly Invitae), Labcorp); PubMed 24747307 (cited by Labcorp Genetics (formerly Invitae), Labcorp); PubMed 25966443 (cited by Labcorp Genetics (formerly Invitae), Labcorp).